The following is an entry in ClinVar:

NM_001363.5(DKC1):c.16+512C>T

Gene: DKC1 (dyskerin pseudouridine synthase 1; plus strand). Cytogenetic location: Xq28.
Variant type: single nucleotide variant.
Coding change: c.16+512C>T on transcript NM_001363.5 (MANE Select); 512 bases into the intron after coding-DNA position 16, C replaced by T.
Molecular consequence: intron variant.
Genome position (GRCh38, 1-based): chrX:154,763,493, C>T. VCF-style: chrX-154763493-C-T. GRCh37 (hg19) VCF-style: chrX-153991768-C-T.
Other names: c.16+512C>T (NM_001288747.2, NM_001142463.3).
Identifiers: ClinVar variation 4538280 (VCV004538280.1).

ClinVar aggregate classification (germline): Uncertain significance (1 of 4 stars; one submission).

Submission:

Greenwood Genetic Center Diagnostic Laboratories, Greenwood Genetic Center
Classification: Uncertain significance. Last evaluated: 2025-06-03. Review status: criteria provided, single submitter. Criteria: ACMG Guidelines, 2015. Collection method: clinical testing. Allele origin: germline. Affected: yes.
Comment: PM2, BP4